The following is an entry in ClinVar:

ClinVar aggregate classification (germline): Likely benign. Review status: criteria provided, single submitter (1 of 4 stars). 4 submissions from 4 submitters: Likely benign (1). 3 of the submissions do not count toward it. Last evaluated 2025-12-29.

Conditions:
Gingival disorder. Also called: Gingival disease. Identifiers: MedGen C0017563, MONDO:0002021.
FPR1-related disorder. Also called: FPR1-related condition.

Allele frequency attached by ClinVar (database versions not stated): ESP Exome Variant Server 0.00031; gnomAD 0.00041 and 0.00049; TOPMed 0.00042; gnomAD exomes 0.00062; ExAC 0.00065; 1000 Genomes Project 0.00180; 1000 Genomes Project 30x 0.00203.
gnomAD v4.1: 368 of 1,614,054 alleles (0.023%); highest among the groups gnomAD compares: East Asian, 0.32%; 4 homozygotes.

Submissions (4):

Labcorp Genetics (formerly Invitae), Labcorp
Classification: Likely benign for Gingival disorder. Last evaluated: 2025-12-29. Review status: criteria provided, single submitter. Criteria: Invitae Variant Classification Sherloc (09022015). Collection method: clinical testing. Allele origin: germline.

PreventionGenetics, part of Exact Sciences
Classification: Likely benign for FPR1-related condition. Last evaluated: 2019-09-30. Review status: no assertion criteria provided. Collection method: clinical testing. Allele origin: germline. Not counted in ClinVar's aggregate classification.
Comment: This variant is classified as likely benign based on ACMG/AMP sequence variant interpretation guidelines (Richards et al. 2015 PMID: 25741868, with internal and published modifications).

Clinical Genetics DNA and cytogenetics Diagnostics Lab, Erasmus MC, Erasmus Medical Center
Classification: Uncertain significance. Review status: no assertion criteria provided. Collection method: clinical testing. Allele origin: germline. Affected: yes. Study: VKGL Data-share Consensus. Not counted in ClinVar's aggregate classification.

Diagnostic Laboratory, Department of Genetics, University Medical Center Groningen
Classification: Uncertain significance. Review status: no assertion criteria provided. Collection method: clinical testing. Allele origin: germline. Affected: yes. Study: VKGL Data-share Consensus. Not counted in ClinVar's aggregate classification.

NM_002029.4(FPR1):c.368G>A (p.Arg123His)

Gene: FPR1 (formyl peptide receptor 1; minus strand). Cytogenetic location: 19q13.41.
Variant type: single nucleotide variant.
Coding change: c.368G>A on transcript NM_002029.4 (MANE Select); coding-DNA position 368, G replaced by A.
Protein change: p.Arg123His; replaces arginine 123 with histidine.
Molecular consequence: missense variant.
Genome position (GRCh38, 1-based): chr19:51,746,627, C>T on the plus strand (G>A on the coding strand, the complement: FPR1 is on the minus strand). VCF-style: chr19-51746627-C-T. GRCh37 (hg19) VCF-style: chr19-52249880-C-T.
Other names: c.368G>A, p.Arg123His (NM_001193306.2); short protein forms R123H.
Identifiers: ClinVar variation 785829 (VCV000785829.18), dbSNP rs149931707, ClinGen allele CA9616477.
Genomic context (GRCh38, chr19:51,746,627, plus strand): 5'-TTGGCCAGGCTCACGGTGCGGTGGTTCTGGGTCCAGACTGGATGCAGGACGCAAACACAG[C>T]GGTCCAGAGCAATGAGGGCGATCAGGAAGACACTTCCGAACAAGTTGATGTCCACTATGG-3'
Protein context (NP_002020.1, residues 113-133): VFLIALIALD[Arg123His]CVCVLHPVWT